The following is an entry in ClinVar:

NM_003331.5(TYK2):c.829G>T (p.Val277Leu)

Gene: TYK2 (tyrosine kinase 2; minus strand). Cytogenetic location: 19p13.2.
Variant type: single nucleotide variant.
Coding change: c.829G>T on transcript NM_003331.5 (MANE Select); coding-DNA position 829, G replaced by T.
Protein change: p.Val277Leu; replaces valine 277 with leucine.
Molecular consequence: missense variant.
Genome position (GRCh38, 1-based): chr19:10,365,699, C>A on the plus strand (G>T on the coding strand, the complement: TYK2 is on the minus strand). VCF-style: chr19-10365699-C-A. GRCh37 (hg19) VCF-style: chr19-10476375-C-A.
Other names: c.829G>T, p.Val277Leu (NM_001385197.1, NM_001385198.1, NM_001385199.1 and 8 more transcripts); c.739G>T, p.Val247Leu (NM_001385205.1); short protein forms V277L, V247L.
Identifiers: ClinVar variation 2180335 (VCV002180335.4), dbSNP rs148520054, ClinGen allele CA9193602.

ClinVar aggregate classification (germline): Uncertain significance (1 of 4 stars; one submission).

Conditions:
Immunodeficiency 35 (IMD35). Also called: TYK2 DEFICIENCY; HIES WITH ATYPICAL MYCOBACTERIOSIS, AUTOSOMAL RECESSIVE; HYPER-IgE SYNDROME WITH ATYPICAL MYCOBACTERIOSIS, AUTOSOMAL RECESSIVE; Susceptibility to infection due to TYK2 deficiency. Identifiers: Orphanet 331226, MedGen C1969086, MONDO:0012682, OMIM 611521.

gnomAD v4.1: 6 of 1,613,130 alleles (0.00037%); highest among the groups gnomAD compares: South Asian, 0.0044%; no homozygotes.

Submission:

Labcorp Genetics (formerly Invitae), Labcorp
Classification: Uncertain significance for Immunodeficiency 35. Last evaluated: 2022-06-18. Review status: criteria provided, single submitter. Criteria: Invitae Variant Classification Sherloc (09022015). Collection method: clinical testing. Allele origin: germline.
Comment: In summary, the available evidence is currently insufficient to determine the role of this variant in disease. Therefore, it has been classified as a Variant of Uncertain Significance. Algorithms developed to predict the effect of missense changes on protein structure and function are either unavailable or do not agree on the potential impact of this missense change (SIFT: "Not Available"; PolyPhen-2: "Benign"; Align-GVGD: "Not Available"). This variant has not been reported in the literature in individuals affected with TYK2-related conditions. This variant is present in population databases (rs148520054, gnomAD 0.003%). This sequence change replaces valine, which is neutral and non-polar, with leucine, which is neutral and non-polar, at codon 277 of the TYK2 protein (p.Val277Leu).